The following is an entry in ClinVar:

NM_025137.4(SPG11):c.1772G>T (p.Cys591Phe)

Gene: SPG11 (SPG11 vesicle trafficking associated, spatacsin; minus strand). Cytogenetic location: 15q21.1.
Variant type: single nucleotide variant.
Coding change: c.1772G>T on transcript NM_025137.4 (MANE Select); coding-DNA position 1772, G replaced by T.
Protein change: p.Cys591Phe; replaces cysteine 591 with phenylalanine.
Molecular consequence: missense variant.
Genome position (GRCh38, 1-based): chr15:44,629,352, C>A on the plus strand (G>T on the coding strand, the complement: SPG11 is on the minus strand). VCF-style: chr15-44629352-C-A. GRCh37 (hg19) VCF-style: chr15-44921550-C-A.
Other names: c.1772G>T, p.Cys591Phe (NM_001160227.2, NM_001411132.1); short protein forms C591F.
Identifiers: ClinVar variation 1779823 (VCV001779823.2), dbSNP rs750599604, ClinGen allele CA392234721.

ClinVar aggregate classification (germline): Uncertain significance (1 of 4 stars; one submission).

Conditions:
Inborn genetic diseases. Identifiers: MedGen C0950123, MeSH D030342.

Submission:

Ambry Genetics
Classification: Uncertain significance for Inborn genetic diseases. Last evaluated: 2020-03-24. Review status: criteria provided, single submitter. Criteria: Ambry Variant Classification Scheme 2023. Collection method: clinical testing. Allele origin: germline.
Comment: The p.C591F variant (also known as c.1772G>T), located in coding exon 9 of the SPG11 gene, results from a G to T substitution at nucleotide position 1772. The cysteine at codon 591 is replaced by phenylalanine, an amino acid with highly dissimilar properties. This amino acid position is highly conserved in available vertebrate species. In addition, this alteration is predicted to be deleterious by in silico analysis. Since supporting evidence is limited at this time, the clinical significance of this alteration remains unclear.